The following is an entry in ClinVar:

ClinVar aggregate classification (germline): Likely pathogenic (0 of 4 stars; one submission).

Conditions:
CEP164-related disorder. Also called: CEP164-related condition.

Submission:

PreventionGenetics, part of Exact Sciences
Classification: Likely pathogenic for CEP164-related condition. Last evaluated: 2024-08-16. Review status: no assertion criteria provided. Collection method: clinical testing. Allele origin: germline.
Comment: The CEP164 c.3344delA variant is predicted to result in a frameshift and premature protein termination (p.Glu1115Glyfs*17). To our knowledge, this variant has not been reported in the literature or in a large population database, indicating this variant is rare. Frameshift variants in CEP164 are expected to be pathogenic. This variant is interpreted as likely pathogenic.

NM_014956.5(CEP164):c.3344del (p.Glu1115fs)

Gene: CEP164 (centrosomal protein 164; plus strand). Cytogenetic location: 11q23.3.
Variant type: Deletion.
Coding change: c.3344del on transcript NM_014956.5 (MANE Select); coding-DNA position 3344, one base deleted (A; older notation c.3344delA).
Protein change: p.Glu1115fs; shifts the reading frame from glutamic acid 1115.
Molecular consequence: frameshift variant.
Genome position (GRCh38, 1-based): chr11:117,397,156, A deleted. VCF-style (leftmost placement, unchanged base first): chr11-117397155-GA-G. GRCh37 (hg19) VCF-style: chr11-117267871-GA-G.
Other names: c.3353del, p.Glu1118fs (NM_001271933.2); short protein forms E1115fs, E1118fs.
Identifiers: ClinVar variation 3345763 (VCV003345763.1).